The following is an entry in ClinVar:

NM_001171613.2(PREPL):c.-49+1719C>T

Gene: PREPL (prolyl endopeptidase like; minus strand). Cytogenetic location: 2p21.
Variant type: single nucleotide variant.
Coding change: c.-49+1719C>T on transcript NM_001171613.2 (MANE Select); 1719 bases into the intron after 49 bases upstream of the start codon, C replaced by T.
Molecular consequence: intron variant. On other transcripts: missense variant (7).
Genome position (GRCh38, 1-based): chr2:44,359,661, G>A on the plus strand (C>T on the coding strand, the complement: PREPL is on the minus strand). VCF-style: chr2-44359661-G-A. GRCh37 (hg19) VCF-style: chr2-44586800-G-A.
Other names: c.55C>T, p.Leu19Phe (NM_001042385.2, NM_001042386.2, NM_001171603.1 and 4 more transcripts); c.-49+1863C>T (NM_001171617.1); c.-49+1756C>T (NM_001374277.1); short protein forms L19F.
Identifiers: ClinVar variation 2071587 (VCV002071587.5), dbSNP rs551860187, ClinGen allele CA1641765.
Genomic context (GRCh38, chr2:44,359,661, plus strand): 5'-TGTAACAATGATCAGCGAAGTTATAGTGATTCAAATGCTGTTTCTGCATGCATTTTCCAA[G>A]GTGAGGAATACTATACTTCAAAGCTTGGAGAAATAATTTGGTCTTCTGCTGCATGATATC-3'

ClinVar aggregate classification (germline): Uncertain significance. Review status: criteria provided, multiple submitters, no conflicts (2 of 4 stars). 2 submissions from 2 submitters: Uncertain significance (2). Last evaluated 2025-09-28.

Conditions:
Myasthenic syndrome, congenital, 22 (CMS22). Also called: PREPL DEFICIENCY. Identifiers: MedGen C4479088, MONDO:0044299, OMIM 616224.
Inborn genetic diseases. Identifiers: MedGen C0950123, MeSH D030342.

Allele frequency attached by ClinVar (database versions not stated): 1000 Genomes Project 30x 0.00016; 1000 Genomes Project 0.00020; gnomAD 0.00003; TOPMed 0.00003.
gnomAD v4.1: 6 of 1,613,352 alleles (0.00037%); highest among the groups gnomAD compares: African/African-American, 0.008%; no homozygotes.

Submissions (2):

Ambry Genetics
Classification: Uncertain significance for Inborn genetic diseases. Last evaluated: 2025-09-28. Review status: criteria provided, single submitter. Criteria: Ambry Variant Classification Scheme 2023. Collection method: clinical testing. Allele origin: germline.

Labcorp Genetics (formerly Invitae), Labcorp
Classification: Uncertain significance for Myasthenic syndrome, congenital, 22. Last evaluated: 2022-10-25. Review status: criteria provided, single submitter. Criteria: Invitae Variant Classification Sherloc (09022015). Collection method: clinical testing. Allele origin: germline.
Comment: This sequence change replaces leucine, which is neutral and non-polar, with phenylalanine, which is neutral and non-polar, at codon 19 of the PREPL protein (p.Leu19Phe). This variant is present in population databases (rs551860187, gnomAD 0.02%). This variant has not been reported in the literature in individuals affected with PREPL-related conditions. Algorithms developed to predict the effect of missense changes on protein structure and function output the following: SIFT: "Deleterious"; PolyPhen-2: "Benign"; Align-GVGD: "Class C0". The phenylalanine amino acid residue is found in multiple mammalian species, which suggests that this missense change does not adversely affect protein function. In summary, the available evidence is currently insufficient to determine the role of this variant in disease. Therefore, it has been classified as a Variant of Uncertain Significance.